The following is an entry in ClinVar:

NM_003482.4(KMT2D):c.6457C>T (p.Pro2153Ser)

Gene: KMT2D (lysine methyltransferase 2D; minus strand). Cytogenetic location: 12q13.12.
Variant type: single nucleotide variant.
Coding change: c.6457C>T on transcript NM_003482.4 (MANE Select); coding-DNA position 6457, C replaced by T.
Protein change: p.Pro2153Ser; replaces proline 2153 with serine.
Molecular consequence: missense variant.
Genome position (GRCh38, 1-based): chr12:49,041,313, G>A on the plus strand (C>T on the coding strand, the complement: KMT2D is on the minus strand). VCF-style: chr12-49041313-G-A. GRCh37 (hg19) VCF-style: chr12-49435096-G-A.
Other names: short protein forms P2153S.
Identifiers: ClinVar variation 2151837 (VCV002151837.6), dbSNP rs1038997569, ClinGen allele CA236649225.

ClinVar aggregate classification (germline): Uncertain significance. Review status: criteria provided, multiple submitters, no conflicts (2 of 4 stars). 3 submissions from 3 submitters: Uncertain significance (3). Last evaluated 2026-02-24.

Conditions:
KMT2D-related disorder. Also called: KMT2D-Related Disorders.
Kabuki syndrome. Also called: NIIKAWA-KUROKI SYNDROME; Kabuki make-up syndrome. Identifiers: Orphanet 2322, MedGen C0796004, MONDO:0016512.

Allele frequency attached by ClinVar (database versions not stated): TOPMed below 0.00001; gnomAD 0.00001.
gnomAD v4.1: 2 of 1,537,236 alleles (0.00013%); highest among the groups gnomAD compares: Admixed American, 0.002%; no homozygotes.

Submissions (3):

PreventionGenetics, part of Exact Sciences
Classification: Uncertain significance for KMT2D-related condition. Last evaluated: 2026-02-24. Review status: criteria provided, single submitter. Criteria: ACMG Guidelines, 2015. Collection method: clinical testing. Allele origin: germline.
Comment: The KMT2D c.6457C>T variant is predicted to result in the amino acid substitution p.Pro2153Ser. To our knowledge, this variant has not been reported in the literature or in a large population database (gnomAD), indicating this variant is rare. At this time, the clinical significance of this variant is uncertain due to the absence of conclusive functional and genetic evidence.

Labcorp Genetics (formerly Invitae), Labcorp
Classification: Uncertain significance for Kabuki syndrome. Last evaluated: 2025-07-30. Review status: criteria provided, single submitter. Criteria: Invitae Variant Classification Sherloc (09022015). Collection method: clinical testing. Allele origin: germline.
Comment: This sequence change replaces proline, which is neutral and non-polar, with serine, which is neutral and polar, at codon 2153 of the KMT2D protein (p.Pro2153Ser). This variant is not present in population databases (gnomAD no frequency). This variant has not been reported in the literature in individuals affected with KMT2D-related conditions. ClinVar contains an entry for this variant (Variation ID: 2151837). Invitae Evidence Modeling of protein sequence and biophysical properties (such as structural, functional, and spatial information, amino acid conservation, physicochemical variation, residue mobility, and thermodynamic stability) indicates that this missense variant is not expected to disrupt KMT2D protein function with a negative predictive value of 95%. In summary, the available evidence is currently insufficient to determine the role of this variant in disease. Therefore, it has been classified as a Variant of Uncertain Significance.

Women's Health and Genetics/Laboratory Corporation of America, LabCorp
Classification: Uncertain significance. Last evaluated: 2023-10-13. Review status: criteria provided, single submitter. Criteria: LabCorp Variant Classification Summary - May 2015. Collection method: clinical testing. Allele origin: germline.
Comment: Variant summary: MLL2 (also known as KMT2D) c.6457C>T (p.Pro2153Ser) results in a non-conservative amino acid change in the encoded protein sequence. Two of four in-silico tools predict a benign effect of the variant on protein function. The variant was absent in 155112 control chromosomes (gnomAD). The available data on variant occurrences in the general population are insufficient to allow any conclusion about variant significance. To our knowledge, no occurrence of c.6457C>T in individuals affected with Kabuki Syndrome 1 and no experimental evidence demonstrating its impact on protein function have been reported. One submitter has cited clinical-significance assessments for this variant to ClinVar after 2014 and has classified the variant as uncertain significance. Based on the evidence outlined above, the variant was classified as uncertain significance.

Literature cited by the submitters: PubMed 31235699 (cited by Women's Health and Genetics/Laboratory Corporation of America, LabCorp); PubMed 35050747 (cited by Women's Health and Genetics/Laboratory Corporation of America, LabCorp).